The following is an entry in ClinVar:

ClinVar aggregate classification (germline): Likely benign (0 of 4 stars; one submission).

Conditions:
AKR1C4-related disorder. Also called: AKR1C4-related condition.

Allele frequency attached by ClinVar (database versions not stated): gnomAD exomes 0.00001.

Submission:

PreventionGenetics, part of Exact Sciences
Classification: Likely benign for AKR1C4-related condition. Last evaluated: 2022-12-09. Review status: no assertion criteria provided. Collection method: clinical testing. Allele origin: germline.
Comment: This variant is classified as likely benign based on ACMG/AMP sequence variant interpretation guidelines (Richards et al. 2015 PMID: 25741868, with internal and published modifications).

NM_001818.5(AKR1C4):c.85-103C>T

Gene: AKR1C4 (aldo-keto reductase family 1 member C4; plus strand). Cytogenetic location: 10p15.1.
Variant type: single nucleotide variant.
Coding change: c.85-103C>T on transcript NM_001818.5 (MANE Select); 103 bases into the intron before coding-DNA position 85, C replaced by T.
Molecular consequence: intron variant.
Genome position (GRCh38, 1-based): chr10:5,200,078, C>T. VCF-style: chr10-5200078-C-T. GRCh37 (hg19) VCF-style: chr10-5242041-C-T.
Identifiers: ClinVar variation 3055659 (VCV003055659.2), dbSNP rs2491040071, ClinGen allele CA2608087138.